The following is an entry in ClinVar:

NM_014687.4(RUBCN):c.1188T>C (p.Thr396=)

Gene: RUBCN (rubicon autophagy regulator; minus strand). Cytogenetic location: 3q29.
Variant type: single nucleotide variant.
Coding change: c.1188T>C on transcript NM_014687.4 (MANE Select); coding-DNA position 1188, T replaced by C.
Protein change: p.Thr396=; no amino-acid change (threonine 396 retained).
Molecular consequence: synonymous variant.
Genome position (GRCh38, 1-based): chr3:197,700,686, A>G on the plus strand (T>C on the coding strand, the complement: RUBCN is on the minus strand). VCF-style: chr3-197700686-A-G. GRCh37 (hg19) VCF-style: chr3-197427557-A-G.
Other names: p.Thr336=; c.1008T>C, p.Thr336= (NM_001145642.5); c.1188T>C, p.Thr396= (NM_001346873.2); c.1008T>C (NM_001145642.4).
Identifiers: ClinVar variation 129378 (VCV000129378.9), dbSNP rs28394098, ClinGen allele CA153336.
Genomic context (GRCh38, chr3:197,700,686, plus strand): 5'-GGAGGCAATGCTGGTATCCGAATGGGAGCGAATGTGGCTTTTCTTTGCCCCACTGGTGAC[A>G]GTGAGTGTCTGCCCCTCTGAGAAGCTGGACCTGCGGAGGACACTGGACAGCTGGCTCTCC-3'
Protein context (NP_055502.1, residues 386-406): RSSFSEGQTL[Thr396=]VTSGAKKSHI

ClinVar aggregate classification (germline): Benign/Likely benign. Review status: criteria provided, multiple submitters, no conflicts (2 of 4 stars). 4 submissions from 4 submitters: Benign (2); Likely benign (1). 1 of the submissions does not count toward it. Last evaluated 2024-11-26.

Allele frequency attached by ClinVar (database versions not stated): 1000 Genomes Project 0.13918; gnomAD 0.14478 and 0.15053; 1000 Genomes Project 30x 0.14663; ESP Exome Variant Server 0.15443; TOPMed 0.15449.
gnomAD v4.1: 161,183 of 1,613,948 alleles (10%); highest among the groups gnomAD compares: African/African-American, 30%; 9,944 homozygotes.

Submissions (4):

Blueprint Genetics
Classification: Likely benign. Last evaluated: 2024-11-26. Review status: criteria provided, single submitter. Criteria: ACMG Guidelines, 2015. Collection method: clinical testing. Allele origin: germline.

Mayo Clinic Laboratories, Mayo Clinic
Classification: Benign. Last evaluated: 2022-03-24. Review status: criteria provided, single submitter. Criteria: ACMG Guidelines, 2015. Collection method: clinical testing. Allele origin: germline. Observed: 89 variant alleles.

Breakthrough Genomics
Classification: Benign. Review status: criteria provided, single submitter. Criteria: ACMG Guidelines, 2015. Collection method: not provided. Allele origin: germline. Inheritance: Autosomal recessive inheritance. Affected: yes.

Genetic Services Laboratory, University of Chicago
Classification: Likely benign for AllHighlyPenetrant. Review status: no assertion criteria provided. Collection method: clinical testing. Allele origin: germline. Inheritance: Autosomal recessive inheritance. Not counted in ClinVar's aggregate classification.
Comment: Likely benign based on allele frequency in 1000 Genomes Project or ESP global frequency and its presence in a patient with a rare or unrelated disease phenotype. NOT Sanger confirmed.